The following is an entry in ClinVar:

NM_006231.4(POLE):c.1017T>C (p.Asp339=)

Gene: POLE (DNA polymerase epsilon, catalytic subunit; minus strand). Cytogenetic location: 12q24.33.
Variant type: single nucleotide variant.
Coding change: c.1017T>C on transcript NM_006231.4 (MANE Select); coding-DNA position 1017, T replaced by C.
Protein change: p.Asp339=; no amino-acid change (aspartic acid 339 retained).
Molecular consequence: synonymous variant.
Genome position (GRCh38, 1-based): chr12:132,676,097, A>G on the plus strand (T>C on the coding strand, the complement: POLE is on the minus strand). VCF-style: chr12-132676097-A-G. GRCh37 (hg19) VCF-style: chr12-133252683-A-G.
Identifiers: ClinVar variation 818269 (VCV000818269.14), dbSNP rs756833644, ClinGen allele CA6894120.

ClinVar aggregate classification (germline): Benign/Likely benign. Review status: criteria provided, multiple submitters, no conflicts (2 of 4 stars). 3 submissions from 3 submitters: Benign (1); Likely benign (2). Last evaluated 2025-02-07.

Conditions:
Hereditary cancer-predisposing syndrome. Also called: Tumor predisposition; Hereditary neoplastic syndrome; Neoplastic Syndromes, Hereditary; Hereditary Cancer Syndrome. Identifiers: Orphanet 140162, MedGen C0027672, MeSH D009386, MONDO:0015356.
Colorectal cancer, susceptibility to, 12 (CRCS12). Also called: COLORECTAL CANCER, SUSCEPTIBILITY TO, ON CHROMOSOME 12q24. Identifiers: Orphanet 220460, MedGen C3554460, MONDO:0014038, OMIM 615083.

Allele frequency attached by ClinVar (database versions not stated): gnomAD exomes below 0.00001; ExAC 0.00001.
gnomAD v4.1: 3 of 1,597,318 alleles (0.00019%); highest among the groups gnomAD compares: South Asian, 0.0022%; no homozygotes.

Submissions (3):

Myriad Genetics, Inc.
Classification: Benign for Colorectal cancer, susceptibility to, 12. Last evaluated: 2025-02-07. Review status: criteria provided, single submitter. Criteria: Myriad Autosomal Dominant, Autosomal Recessive and X-Linked Classification Criteria (2023). Collection method: clinical testing. Allele origin: unknown.
Comment: This variant is considered benign. This variant is a silent/synonymous amino acid change and it is not expected to impact splicing.

Labcorp Genetics (formerly Invitae), Labcorp
Classification: Likely benign. Last evaluated: 2024-07-29. Review status: criteria provided, single submitter. Criteria: Invitae Variant Classification Sherloc (09022015). Collection method: clinical testing. Allele origin: germline.

Ambry Genetics
Classification: Likely benign for Hereditary cancer-predisposing syndrome. Last evaluated: 2018-09-12. Review status: criteria provided, single submitter. Criteria: Ambry Variant Classification Scheme 2023. Collection method: clinical testing. Allele origin: germline.